The following is an entry in ClinVar:

NM_004463.3(FGD1):c.1075del (p.Pro358_Leu359insTer)

Gene: FGD1 (FYVE, RhoGEF and PH domain containing 1; minus strand). Cytogenetic location: Xp11.22.
Variant type: Deletion.
Coding change: c.1075del on transcript NM_004463.3 (MANE Select); coding-DNA position 1075, one base deleted (C; older notation c.1075delC).
Protein change: p.Pro358_Leu359insTer.
Molecular consequence: nonsense.
Genome position (GRCh38, 1-based): chrX:54,470,042, G deleted on the plus strand (C on the coding strand, the reverse complement: FGD1 is on the minus strand); the first of 4 consecutive G bases (chrX:54,470,042-54,470,045); deleting any one gives the same sequence. VCF-style (leftmost placement, unchanged base first): chrX-54470041-AG-A. GRCh37 (hg19) VCF-style: chrX-54496474-AG-A.
Identifiers: ClinVar variation 2811382 (VCV002811382.3), dbSNP rs2522714571, ClinGen allele CA2739273540.
Genomic context (GRCh38, chrX:54,470,041, plus strand): 5'-CATGGACCTGCCTCTCGGTGAACACAGGTCAGTACCTCCACAGACTCCTGTCTCTCCATC[AG>A]GGGCACTGGGATTTCTCTGTCCTTCTCTTCCTCCTCCTCCTCGTCGTCCTCCTCCTCCAG-3'

ClinVar aggregate classification (germline): Pathogenic (1 of 4 stars; one submission).

Submission:

Labcorp Genetics (formerly Invitae), Labcorp
Classification: Pathogenic. Last evaluated: 2023-02-04. Review status: criteria provided, single submitter. Criteria: Invitae Variant Classification Sherloc (09022015). Collection method: clinical testing. Allele origin: germline.
Comment: For these reasons, this variant has been classified as Pathogenic. This sequence change creates a premature translational stop signal (p.Leu359*) in the FGD1 gene. It is expected to result in an absent or disrupted protein product. Loss-of-function variants in FGD1 are known to be pathogenic (PMID: 21739585, 23211637, 25046119, 26029706). This variant is not present in population databases (gnomAD no frequency). This variant has not been reported in the literature in individuals affected with FGD1-related conditions.

Literature cited by the submitters: PubMed 21739585; PubMed 23211637; PubMed 25046119; PubMed 26029706.